The following is an entry in ClinVar:

NM_152564.5(VPS13B):c.673C>T (p.Gln225Ter)

Gene: VPS13B (vacuolar protein sorting 13 homolog B; plus strand). Cytogenetic location: 8q22.2.
Variant type: single nucleotide variant.
Coding change: c.673C>T on transcript NM_152564.5 (MANE Select); coding-DNA position 673, C replaced by T.
Protein change: p.Gln225Ter; replaces glutamine 225 with a stop codon.
Molecular consequence: nonsense. On other transcripts: non-coding transcript variant (1).
Genome position (GRCh38, 1-based): chr8:99,111,190, C>T. VCF-style: chr8-99111190-C-T. GRCh37 (hg19) VCF-style: chr8-100123418-C-T.
Other names: c.673C>T, p.Gln225Ter (NM_015243.3, NM_017890.5, NM_181661.3); short protein forms Q225*.
Identifiers: ClinVar variation 3366673 (VCV003366673.6).

ClinVar aggregate classification (germline): Pathogenic/Likely pathogenic. Review status: criteria provided, multiple submitters, no conflicts (2 of 4 stars). 5 submissions from 5 submitters: Pathogenic (2); Likely pathogenic (3). Last evaluated 2026-06-20.

Conditions:
VPS13B-related disorder. Also called: VPS13B-related condition.
Cohen syndrome (COH1). Also called: Cutis verticis gyrata, retinitis pigmentosa, and sensorineural deafness; PEPPER SYNDROME. Identifiers: Orphanet 193, MedGen C0265223, MONDO:0008999, OMIM 216550.

gnomAD v4.1: 8 of 1,598,532 alleles (0.0005%); highest among the groups gnomAD compares: East Asian, 0.0023%; no homozygotes.

Submissions (5):

PreventionGenetics, part of Exact Sciences
Classification: Likely pathogenic for VPS13B-related condition. Last evaluated: 2026-06-20. Review status: criteria provided, single submitter. Criteria: ACMG Guidelines, 2015. Collection method: clinical testing. Allele origin: germline.
Comment: The VPS13B c.673C>T variant is predicted to result in premature protein termination (p.Gln225*). To our knowledge, this variant has not been reported in the literature. This variant is reported in 0.0056% of alleles in individuals of East Asian descent in gnomAD. Nonsense variants in VPS13B are expected to be pathogenic. This variant is interpreted as likely pathogenic.

3billion
Classification: Pathogenic for Cohen syndrome. Last evaluated: 2026-01-19. Review status: criteria provided, single submitter. Criteria: ACMG Guidelines, 2015. Collection method: clinical testing. Allele origin: germline. Affected: yes.
Comment: The variant is observed at an extremely low frequency in the gnomAD v4.1.0 dataset (total allele frequency: <0.001%). Predicted Consequence/Location: Stop-gained (nonsense): predicted to result in a loss or disruption of normal protein function through nonsense-mediated decay (NMD) or protein truncation. Multiple pathogenic variants are reported downstream of the variant. The variant has been reported to be associated with VPS13B-related disorder (ClinVar ID: VCV003366673). Therefore, this variant is classified as Pathogenic according to the recommendation of ACMG/AMP guideline.

Natera, Inc.
Classification: Likely pathogenic for Cohen syndrome. Last evaluated: 2025-03-31. Review status: criteria provided, single submitter. Criteria: Natera Variant Classification Schema (03/2026). Collection method: clinical testing. Allele origin: germline.
Comment: The c.673C>T variant in VPS13B is a nonsense variant predicted to introduce a stop codon at amino acid 225. This variant is expected to result in nonsense mediated decay, truncation, or a dysfunctional protein product. This variant is rare in the general population with a frequency below the threshold expected for the associated phenotype(s). Given the available evidence, this variant is classified as Likely Pathogenic.

Women's Health and Genetics/Laboratory Corporation of America, LabCorp
Classification: Pathogenic for Cohen syndrome. Last evaluated: 2024-08-22. Review status: criteria provided, single submitter. Criteria: LabCorp Variant Classification Summary - May 2015. Collection method: clinical testing. Allele origin: germline.
Comment: Variant summary: VPS13B c.673C>T (p.Gln225X) results in a premature termination codon, predicted to cause a truncation of the encoded protein or absence of the protein due to nonsense mediated decay, which are commonly known mechanisms for disease. The variant allele was found at a frequency of 8.2e-06 in 244050 control chromosomes. To our knowledge, no occurrence of c.673C>T in individuals affected with Cohen Syndrome and no experimental evidence demonstrating its impact on protein function have been reported. No submitters have cited clinical-significance assessments for this variant to ClinVar. Based on the evidence outlined above, the variant was classified as pathogenic.

Blueprint Genetics
Classification: Likely pathogenic for VPS13B-related disorders. Last evaluated: 2019-08-31. Review status: criteria provided, single submitter. Criteria: ACMG Guidelines, 2015. Collection method: clinical testing. Allele origin: germline. Affected: yes. Observed: 1 variant allele.